The following is an entry in ClinVar:

ClinVar aggregate classification (germline): Pathogenic. Review status: criteria provided, multiple submitters, no conflicts (2 of 4 stars). 4 submissions from 4 submitters: Pathogenic (4). Last evaluated 2025-05-01.

Conditions:
Sandhoff disease. Also called: GM2-GANGLIOSIDOSIS, TYPE II; HEXOSAMINIDASES A AND B DEFICIENCY; Beta-hexosaminidase-beta-subunit deficiency; GM2 gangliosidosis, type 2; Total hexosaminidase deficiency; Sandhoff-Jatzkewitz-Pilz disease. Identifiers: Orphanet 796, MedGen C0036161, MONDO:0010006, OMIM 268800.

Allele frequency attached by ClinVar (database versions not stated): TOPMed below 0.00001.
gnomAD v4.1: 2 of 1,612,774 alleles (0.00012%); highest among the groups gnomAD compares: Non-Finnish European, 0.00017%; no homozygotes.

Submissions (4):

Natera, Inc.
Classification: Pathogenic for Sandhoff disease. Last evaluated: 2025-05-01. Review status: criteria provided, single submitter. Criteria: Natera Variant Classification Schema (03/2026). Collection method: clinical testing. Allele origin: germline.
Comment: The c.445+1G>C variant in HEXB is a canonical splice donor site variant predicted to affect pre-mRNA splicing, which may result in an abnormal transcript and altered protein product. This variant is expected to result in nonsense mediated decay, truncation, or a dysfunctional protein product. This variant is rare in the general population with a frequency below the threshold expected for the associated phenotype(s). This variant has been observed in one or more individuals affected with the associated recessive disease, as either homozygous or compound heterozygous with a second variant (PMID: 38730490). Given the available evidence, this variant is classified as Pathogenic.

Labcorp Genetics (formerly Invitae), Labcorp
Classification: Pathogenic for Sandhoff disease. Last evaluated: 2023-03-15. Review status: criteria provided, single submitter. Criteria: Invitae Variant Classification Sherloc (09022015). Collection method: clinical testing. Allele origin: germline.
Comment: For these reasons, this variant has been classified as Pathogenic. Algorithms developed to predict the effect of sequence changes on RNA splicing suggest that this variant may disrupt the consensus splice site. ClinVar contains an entry for this variant (Variation ID: 256358). Disruption of this splice site has been observed in individual(s) with Sandhoff disease (PMID: 22848519, 31852446). This variant is not present in population databases (gnomAD no frequency). This sequence change affects a donor splice site in intron 2 of the HEXB gene. It is expected to disrupt RNA splicing. Variants that disrupt the donor or acceptor splice site typically lead to a loss of protein function (PMID: 16199547), and loss-of-function variants in HEXB are known to be pathogenic (PMID: 7550345, 18758829).

Foundation for Research in Genetics and Endocrinology, FRIGE's Institute of Human Genetics
Classification: Pathogenic for Sandhoff disease. Last evaluated: 2021-02-12. Review status: criteria provided, single submitter. Criteria: ACMG Guidelines, 2015. Collection method: clinical testing. Allele origin: germline. Inheritance: Autosomal recessive inheritance. Affected: yes. Observed: 1 variant allele, 1 homozygote.
Comment: A homozygous 3â€™ splice site variation in intron 2 of the HEXB gene was detected. The observed variant c.445+1G>C has not been reported in the 1000 genomes and ExAC databases. The in silico prediction of the variant is damaging by MutationTaster2. In summary, the variant meets our criteria to be classified as pathogenic.

PreventionGenetics, part of Exact Sciences
Classification: Pathogenic for Sandhoff disease. Last evaluated: 2018-09-11. Review status: criteria provided, single submitter. Criteria: ACMG Guidelines, 2015. Collection method: clinical testing. Allele origin: germline. Inheritance: Autosomal recessive inheritance. Observed: 1 heterozygote.

Literature cited by the submitters: PubMed 38730490 (cited by Natera, Inc.); PubMed 22848519 (cited by Labcorp Genetics (formerly Invitae), Labcorp); PubMed 31852446 (cited by Labcorp Genetics (formerly Invitae), Labcorp); PubMed 16199547 (cited by Labcorp Genetics (formerly Invitae), Labcorp); PubMed 7550345 (cited by Labcorp Genetics (formerly Invitae), Labcorp); PubMed 18758829 (cited by Labcorp Genetics (formerly Invitae), Labcorp).

NM_000521.4(HEXB):c.445+1G>C

Gene: HEXB (hexosaminidase subunit beta; plus strand). Cytogenetic location: 5q13.3.
Variant type: single nucleotide variant.
Coding change: c.445+1G>C on transcript NM_000521.4 (MANE Select); the canonical splice donor site of the intron after coding-DNA position 445, G replaced by C.
Molecular consequence: splice donor variant.
Genome position (GRCh38, 1-based): chr5:74,689,474, G>C. VCF-style: chr5-74689474-G-C. GRCh37 (hg19) VCF-style: chr5-73985299-G-C.
Other names: c.-231+1G>C (NM_001292004.2).
Identifiers: ClinVar variation 256358 (VCV000256358.15), dbSNP rs761197472, ClinGen allele CA10586919.